The following is an entry in ClinVar:

ClinVar aggregate classification (germline): Uncertain significance (1 of 4 stars; one submission).

Conditions:
Autosomal dominant nonsyndromic hearing loss 65. Also called: Deafness, autosomal dominant 65; TBC1D24-Related Autosomal Dominant Nonsyndromic Hearing Loss (DFNA). Identifiers: Orphanet 90635, MedGen C3892048, MONDO:0014470, OMIM 616044.
Developmental and epileptic encephalopathy, 1 (DEE1). Also called: INFANTILE SPASM SYNDROME, X-LINKED 1; X-linked infantile spasms; West's syndrome; Tonic spasms with clustering, arrest of psychomotor development and hypsarrhythmia on EEG; X-Linked Infantile Spasm Syndrome; OHTAHARA SYNDROME, X-LINKED. Identifiers: MedGen C3463992, MONDO:0010632, OMIM 308350. Disease mechanism: loss of function.

Submission:

Labcorp Genetics (formerly Invitae), Labcorp
Classification: Uncertain significance for Developmental and epileptic encephalopathy, 1; Autosomal dominant nonsyndromic hearing loss 65. Last evaluated: 2024-11-27. Review status: criteria provided, single submitter. Criteria: Invitae Variant Classification Sherloc (09022015). Collection method: clinical testing. Allele origin: germline.
Comment: This sequence change replaces lysine, which is basic and polar, with asparagine, which is neutral and polar, at codon 116 of the TBC1D24 protein (p.Lys116Asn). This variant is not present in population databases (gnomAD no frequency). This variant has not been reported in the literature in individuals affected with TBC1D24-related conditions. ClinVar contains an entry for this variant (Variation ID: 2939600). Invitae Evidence Modeling of protein sequence and biophysical properties (such as structural, functional, and spatial information, amino acid conservation, physicochemical variation, residue mobility, and thermodynamic stability) has been performed for this missense variant. However, the output from this modeling did not meet the statistical confidence thresholds required to predict the impact of this variant on TBC1D24 protein function. In summary, the available evidence is currently insufficient to determine the role of this variant in disease. Therefore, it has been classified as a Variant of Uncertain Significance.

NM_001199107.2(TBC1D24):c.348G>T (p.Lys116Asn)

Gene: TBC1D24 (TBC1 domain family member 24; plus strand). Cytogenetic location: 16p13.3.
Variant type: single nucleotide variant.
Coding change: c.348G>T on transcript NM_001199107.2 (MANE Select); coding-DNA position 348, G replaced by T.
Protein change: p.Lys116Asn; replaces lysine 116 with asparagine.
Molecular consequence: missense variant.
Genome position (GRCh38, 1-based): chr16:2,496,496, G>T. VCF-style: chr16-2496496-G-T. GRCh37 (hg19) VCF-style: chr16-2546497-G-T.
Other names: c.348G>T, p.Lys116Asn (NM_020705.3); short protein forms K116N.
Identifiers: ClinVar variation 2939600 (VCV002939600.3), dbSNP rs760890851, ClinGen allele CA394375615.